The following is an entry in ClinVar:

ClinVar aggregate classification (germline): Benign/Likely benign. Review status: criteria provided, multiple submitters, no conflicts (2 of 4 stars). 4 submissions from 4 submitters: Benign (3); Likely benign (1). Last evaluated 2026-01-12.

Allele frequency attached by ClinVar (database versions not stated): gnomAD exomes 0.00041 and 0.00099; ExAC 0.00126; ESP Exome Variant Server 0.00361; gnomAD 0.00388 and 0.00413; TOPMed 0.00403; 1000 Genomes Project 0.00419; 1000 Genomes Project 30x 0.00453.
gnomAD v4.1: 1,221 of 1,614,160 alleles (0.076%); highest among the groups gnomAD compares: African/African-American, 1.4%; 10 homozygotes.

Submissions (5):

Labcorp Genetics (formerly Invitae), Labcorp
Classification: Benign. Last evaluated: 2026-01-12. Review status: criteria provided, single submitter. Criteria: Invitae Variant Classification Sherloc (09022015). Collection method: clinical testing. Allele origin: germline.

Blueprint Genetics
Classification: Likely benign. Last evaluated: 2024-10-31. Review status: criteria provided, single submitter. Criteria: ACMG Guidelines, 2015. Collection method: clinical testing. Allele origin: germline.

CeGaT Center for Human Genetics Tuebingen
Classification: Benign. Last evaluated: 2023-02-01. Review status: criteria provided, single submitter. Criteria: CeGaT Center For Human Genetics Tuebingen Variant Classification Criteria Version 2. Collection method: clinical testing. Allele origin: germline. Affected: yes. Observed: 1 variant allele.
Comment: NIN: BP4, BS1, BS2

Breakthrough Genomics
Classification: Benign. Review status: criteria provided, single submitter. Criteria: ACMG Guidelines, 2015. Collection method: not provided. Allele origin: germline. Inheritance: Autosomal recessive inheritance. Affected: yes.

Dr. Peter K. Rogan Lab, Western University
No classification provided (evidence only). Condition: Lung cancer. Review status: no classification provided. Collection method: in vitro. Allele origin: not applicable. Functional consequence: skipped exon. Not counted in ClinVar's aggregate classification.

NM_020921.4(NIN):c.2072A>G (p.His691Arg)

Genes: NIN (ninein; minus strand), LOC130055602 (ATAC-STARR-seq lymphoblastoid active region 8362; plus strand). Cytogenetic location: 14q22.1.
Variant type: single nucleotide variant.
Coding change: c.2072A>G on transcript NM_020921.4 (MANE Select); coding-DNA position 2072, A replaced by G.
Protein change: p.His691Arg; replaces histidine 691 with arginine.
Molecular consequence: missense variant.
Genome position (GRCh38, 1-based): chr14:50,760,184, T>C on the plus strand (A>G on the coding strand, the complement: NIN is on the minus strand). VCF-style: chr14-50760184-T-C. GRCh37 (hg19) VCF-style: chr14-51226902-T-C.
Other names: c.2072A>G, p.His691Arg (NM_016350.5, NM_182944.3, NM_182946.2); short protein forms H691R.
Identifiers: ClinVar variation 716999 (VCV000716999.36), dbSNP rs78746672, ClinGen allele CA7182007.